The following is an entry in ClinVar:

NM_001080467.3(MYO5B):c.3628A>G (p.Lys1210Glu)

Gene: MYO5B (myosin VB; minus strand). Cytogenetic location: 18q21.1.
Variant type: single nucleotide variant.
Coding change: c.3628A>G on transcript NM_001080467.3 (MANE Select); coding-DNA position 3628, A replaced by G.
Protein change: p.Lys1210Glu; replaces lysine 1210 with glutamic acid.
Molecular consequence: missense variant.
Genome position (GRCh38, 1-based): chr18:49,864,356, T>C on the plus strand (A>G on the coding strand, the complement: MYO5B is on the minus strand). VCF-style: chr18-49864356-T-C. GRCh37 (hg19) VCF-style: chr18-47390726-T-C.
Other names: short protein forms K1210E.
Identifiers: ClinVar variation 2106648 (VCV002106648.4), dbSNP rs2511251305, ClinGen allele CA402427841.

ClinVar aggregate classification (germline): Uncertain significance (1 of 4 stars; one submission).

Submission:

Labcorp Genetics (formerly Invitae), Labcorp
Classification: Uncertain significance. Last evaluated: 2022-03-04. Review status: criteria provided, single submitter. Criteria: Invitae Variant Classification Sherloc (09022015). Collection method: clinical testing. Allele origin: germline.
Comment: This sequence change replaces lysine, which is basic and polar, with glutamic acid, which is acidic and polar, at codon 1210 of the MYO5B protein (p.Lys1210Glu). This variant is not present in population databases (gnomAD no frequency). This variant has not been reported in the literature in individuals affected with MYO5B-related conditions. Algorithms developed to predict the effect of missense changes on protein structure and function are either unavailable or do not agree on the potential impact of this missense change (SIFT: "Deleterious"; PolyPhen-2: "Probably Damaging"; Align-GVGD: "Class C0"). In summary, the available evidence is currently insufficient to determine the role of this variant in disease. Therefore, it has been classified as a Variant of Uncertain Significance.